The following is an entry in ClinVar:

ClinVar aggregate classification (germline): Uncertain significance (1 of 4 stars; one submission).

Allele frequency attached by ClinVar (database versions not stated): gnomAD exomes below 0.00001.

Submission:

GeneDx
Classification: Uncertain significance. Last evaluated: 2019-08-13. Review status: criteria provided, single submitter. Criteria: GeneDx Variant Classification Process June 2021. Collection method: clinical testing. Allele origin: germline. Affected: yes.
Comment: Not observed at a significant frequency in large population cohorts (Lek et al., 2016); In silico analysis, which includes protein predictors and evolutionary conservation, supports a deleterious effect; Has not been previously published as pathogenic or benign to our knowledge

NM_001085458.2(CTNND1):c.1600C>G (p.Leu534Val)

Genes: CTNND1 (catenin delta 1; plus strand), TMX2-CTNND1 (TMX2-CTNND1 readthrough (NMD candidate); plus strand). Cytogenetic location: 11q12.1.
Variant type: single nucleotide variant.
Coding change: c.1600C>G on transcript NM_001085458.2 (MANE Select); coding-DNA position 1600, C replaced by G.
Protein change: p.Leu534Val; replaces leucine 534 with valine.
Molecular consequence: missense variant. On other transcripts: non-coding transcript variant (1).
Genome position (GRCh38, 1-based): chr11:57,803,800, C>G. VCF-style: chr11-57803800-C-G. GRCh37 (hg19) VCF-style: chr11-57571272-C-G.
Other names: c.1600C>G, p.Leu534Val (NM_001085459.2, NM_001085460.2, NM_001085461.2 and 3 more transcripts); c.1297C>G, p.Leu433Val (NM_001085463.2, NM_001085464.2, NM_001085465.2 and 5 more transcripts); c.1438C>G, p.Leu480Val (NM_001206883.2, NM_001206884.2, NM_001206886.2 and 4 more transcripts); short protein forms L433V, L480V, L534V.
Identifiers: ClinVar variation 1307707 (VCV001307707.2), dbSNP rs1178806559, ClinGen allele CA380727493.